The following is an entry in ClinVar:

NM_007255.3(B4GALT7):c.188G>C (p.Gly63Ala)

Gene: B4GALT7 (beta-1,4-galactosyltransferase 7; plus strand). Cytogenetic location: 5q35.3.
Variant type: single nucleotide variant.
Coding change: c.188G>C on transcript NM_007255.3 (MANE Select); coding-DNA position 188, G replaced by C.
Protein change: p.Gly63Ala; replaces glycine 63 with alanine.
Molecular consequence: missense variant.
Genome position (GRCh38, 1-based): chr5:177,604,316, G>C. VCF-style: chr5-177604316-G-C. GRCh37 (hg19) VCF-style: chr5-177031317-G-C.
Other names: short protein forms G63A.
Identifiers: ClinVar variation 4848888 (VCV004848888.1).

ClinVar aggregate classification (germline): Uncertain significance (1 of 4 stars; one submission).

gnomAD v4.1: 5 of 1,610,842 alleles (0.00031%); highest among the groups gnomAD compares: South Asian, 0.0022%; no homozygotes.

Submission:

Women's Health and Genetics/Laboratory Corporation of America, LabCorp
Classification: Uncertain significance. Last evaluated: 2026-04-06. Review status: criteria provided, single submitter. Criteria: LabCorp Variant Classification Summary - May 2015. Collection method: clinical testing. Allele origin: germline.
Comment: Variant summary: B4GALT7 c.188G>C (p.Gly63Ala) results in a non-conservative amino acid change in the encoded protein sequence. Algorithms developed to predict the effect of missense changes on protein structure and function are either unavailable or do not agree on the potential impact of this missense change. The variant was absent in 240344 control chromosomes. The available data on variant occurrences in the general population are insufficient to allow any conclusion about variant significance. To our knowledge, no occurrence of c.188G>C in individuals affected with B4GALT7-related conditions and no experimental evidence demonstrating its impact on protein function have been reported. No submitters have cited clinical-significance assessments for this variant to ClinVar. Based on the evidence outlined above, the variant was classified as uncertain significance.